The following is an entry in ClinVar:

NC_000013.10:g.(?_32913814)_(32921386_?)del

Gene: BRCA2 (BRCA2 DNA repair associated; plus strand). Cytogenetic location: 13q13.1.
Variant type: Deletion.
Identifiers: ClinVar variation 3244181 (VCV003244181.1).

ClinVar aggregate classification (germline): Likely pathogenic (1 of 4 stars; one submission).

Conditions:
Hereditary breast ovarian cancer syndrome. Also called: Hereditary breast and ovarian cancer syndrome; Hereditary breast and ovarian cancer; Hereditary breast and ovarian cancer syndrome (HBOC); Breast and ovarian cancer; Hereditary breast and/or ovarian cancer syndrome; BRCA1- and BRCA2-Associated Hereditary Breast and Ovarian Cancer. Identifiers: Orphanet 145, MedGen C0677776, MeSH D061325, MONDO:0003582. Disease mechanism: loss of function.

Submission:

Labcorp Genetics (formerly Invitae), Labcorp
Classification: Likely pathogenic for Hereditary breast ovarian cancer syndrome. Last evaluated: 2023-10-30. Review status: criteria provided, single submitter. Criteria: Invitae Variant Classification Sherloc (09022015). Collection method: clinical testing. Allele origin: unknown.
Comment: This variant results in the deletion of exons 12-13 and part of exon 11 (c.5322_7007+353del) of the BRCA2 gene. It is expected to disrupt RNA splicing. Variants that disrupt the donor or acceptor splice site typically lead to a loss of protein function (PMID: 16199547), and loss-of-function variants in BRCA2 are known to be pathogenic (PMID: 20104584). This variant has not been reported in the literature in individuals affected with BRCA2-related conditions. In summary, the currently available evidence indicates that the variant is pathogenic, but additional data are needed to prove that conclusively. Therefore, this variant has been classified as Likely Pathogenic.

Literature cited by the submitters: PubMed 16199547; PubMed 20104584.